The following is an entry in ClinVar:

NM_001199107.2(TBC1D24):c.344G>A (p.Arg115His)

Gene: TBC1D24 (TBC1 domain family member 24; plus strand). Cytogenetic location: 16p13.3.
Variant type: single nucleotide variant.
Coding change: c.344G>A on transcript NM_001199107.2 (MANE Select); coding-DNA position 344, G replaced by A.
Protein change: p.Arg115His; replaces arginine 115 with histidine.
Molecular consequence: missense variant.
Genome position (GRCh38, 1-based): chr16:2,496,492, G>A. VCF-style: chr16-2496492-G-A. GRCh37 (hg19) VCF-style: chr16-2546493-G-A.
Other names: p.R115H:CGC>CAC; c.344G>A, p.Arg115His (NM_020705.3); short protein forms R115H.
Identifiers: ClinVar variation 207497 (VCV000207497.37), dbSNP rs201174513, ClinGen allele CA319018.

ClinVar aggregate classification (germline): Conflicting classifications of pathogenicity. Review status: criteria provided, conflicting classifications (1 of 4 stars). 4 submissions from 4 submitters: Uncertain significance (2); Likely benign (2). Last evaluated 2026-02-02.

Conditions:
Developmental and epileptic encephalopathy, 1 (DEE1). Also called: INFANTILE SPASM SYNDROME, X-LINKED 1; X-linked infantile spasms; West's syndrome; Tonic spasms with clustering, arrest of psychomotor development and hypsarrhythmia on EEG; X-Linked Infantile Spasm Syndrome; Epileptic encephalopathy, early infantile, 1. Identifiers: MedGen C3463992, MONDO:0010632, OMIM 308350. Disease mechanism: loss of function.
Autosomal dominant nonsyndromic hearing loss 65. Also called: Deafness, autosomal dominant 65; TBC1D24-Related Autosomal Dominant Nonsyndromic Hearing Loss (DFNA). Identifiers: Orphanet 90635, MedGen C3892048, MONDO:0014470, OMIM 616044.

Allele frequency attached by ClinVar (database versions not stated): 1000 Genomes Project 30x 0.00016; 1000 Genomes Project 0.00020; gnomAD 0.00003; gnomAD exomes 0.00004; TOPMed 0.00006; ESP Exome Variant Server 0.00008.

Submissions (4):

Labcorp Genetics (formerly Invitae), Labcorp
Classification: Likely benign for Developmental and epileptic encephalopathy, 1; Autosomal dominant nonsyndromic hearing loss 65. Last evaluated: 2026-02-02. Review status: criteria provided, single submitter. Criteria: Invitae Variant Classification Sherloc (09022015). Collection method: clinical testing. Allele origin: germline.

GeneDx
Classification: Uncertain significance. Last evaluated: 2025-12-02. Review status: criteria provided, single submitter. Criteria: GeneDx Variant Classification Process June 2021. Collection method: clinical testing. Allele origin: germline. Affected: yes.
Comment: In silico analysis suggests that this missense variant does not alter protein structure/function; Has not been previously published as pathogenic or benign to our knowledge

CeGaT Center for Human Genetics Tuebingen
Classification: Likely benign. Last evaluated: 2024-06-01. Review status: criteria provided, single submitter. Criteria: CeGaT Center For Human Genetics Tuebingen Variant Classification Criteria Version 2. Collection method: clinical testing. Allele origin: germline. Affected: yes. Observed: 1 variant allele.
Comment: TBC1D24: BP4

Laboratory for Molecular Medicine, Mass General Brigham Personalized Medicine
Classification: Uncertain significance. Last evaluated: 2017-04-25. Review status: criteria provided, single submitter. Criteria: LMM Criteria. Collection method: clinical testing. Allele origin: germline. Observed: 1 variant allele.
Comment: The p.Arg115His variant in TBC1D24 has not been previously reported in individua ls with hearing loss, but has been reported in ClinVar (Variation ID# 207497) as of uncertain significance. This variant has been identified in 7/10118 Ashkena zi Jewish chromosomes by the Genome Aggregation Consortium (gnomAD; dbSNP rs201174513). Although this variant has been seen in the general population, its frequency is not high enough to rule out a pathogen ic role. Computational prediction tools and conservation analysis suggest that t he p.Arg115His variant may not impact the protein, though this information is no t predictive enough to rule out pathogenicity. In summary, the clinical signific ance of the p.Arg115His variant is uncertain.